The following is an entry in ClinVar:

ClinVar aggregate classification (germline): Pathogenic. Review status: criteria provided, multiple submitters, no conflicts (2 of 4 stars). 3 submissions from 3 submitters: Pathogenic (2). 1 of the submissions does not count toward it. Last evaluated 2023-04-21.

Conditions:
Polycystic kidney disease. Also called: Polycystic kidney dysplasia; Kidney, Polycystic. Identifiers: MedGen C0022680, MeSH D007690, MONDO:0020642, HP:0000113.
Polycystic kidney disease, adult type (PKD1). Also called: POLYCYSTIC KIDNEY DISEASE, ADULT, TYPE I; Polycystic Kidney Disease 1, Autosomal Dominant; Polycystic kidney disease 1; Polycystic kidney disease 1, severe; Polycystic Kidney, Autosomal Dominant; POLYCYSTIC KIDNEY DISEASE 1 WITH OR WITHOUT POLYCYSTIC LIVER DISEASE. Identifiers: MedGen C3149841, MONDO:0008263, OMIM 173900.

Submissions (3):

GeneDx
Classification: Pathogenic. Last evaluated: 2023-04-21. Review status: criteria provided, single submitter. Criteria: GeneDx Variant Classification Process June 2021. Collection method: clinical testing. Allele origin: germline. Affected: yes.
Comment: Frameshift variant predicted to result in protein truncation or nonsense mediated decay in a gene for which loss of function is a known mechanism of disease; Not observed at significant frequency in large population cohorts (gnomAD); This variant is associated with the following publications: (PMID: 35778421)

Juno Genomics, Hangzhou Juno Genomics, Inc
Classification: Pathogenic for Polycystic kidney disease, adult type. Review status: criteria provided, single submitter. Criteria: ACMG Guidelines, 2015. Collection method: clinical testing. Allele origin: germline. Affected: yes.
Comment: Null variant in a gene where loss of function (LOF) is a known mechanism of disease.;Absent from controls (or at extremely low frequency if recessive) in Genome Aggregation Database, Exome Sequencing Project, 1000 Genomes Project, or Exome Aggregation Consortium.;Patient's phenotype or family history is highly specific for a disease with a single genetic etiology.;Assumed de novo, but without confirmation of paternity and maternity.

Department of Pathology and Laboratory Medicine, Sinai Health System
Classification: Pathogenic for Polycystic Kidney disease. Review status: no assertion criteria provided. Collection method: clinical testing. Allele origin: unknown. Affected: yes. Observed: 1 variant allele. Study: The Canadian Open Genetics Repository (COGR). Not counted in ClinVar's aggregate classification.
Comment: The PKD1 p.Arg1935Valfs*14 variant was not identified in the literature nor was it identified in the dbSNP, ClinVar, LOVD 3.0, ADPKD Mutation Database, PKD1-LOVD, the 1000 Genomes Project, the NHLBI GO Exome Sequencing Project, the Exome Aggregation Consortium (August 8th 2016), or the Genome Aggregation Database (Feb 27, 2017). The c.5803del variant is predicted to cause a frameshift, which alters the protein amino acid sequence beginning at codon 1935 and leads to a premature stop codon at position 1948. This alteration is then predicted to result in a truncated or absent protein and loss of function. Loss of function variants of the PKD1 gene are an established mechanism of disease in Autosomal Dominant PKD and is the type of variant expected to cause the disorder. In summary, based on the above information this variant meets our laboratoryâ€šÃ„Ã´s criteria to be classified as pathogenic.

NM_001009944.3(PKD1):c.5803del (p.Arg1935fs)

Gene: PKD1 (polycystin 1, transient receptor potential channel interacting; minus strand). Cytogenetic location: 16p13.3.
Variant type: Deletion.
Coding change: c.5803del on transcript NM_001009944.3 (MANE Select); coding-DNA position 5803, one base deleted (C; older notation c.5803delC).
Protein change: p.Arg1935fs; shifts the reading frame from arginine 1935.
Molecular consequence: frameshift variant.
Genome position (GRCh38, 1-based): chr16:2,109,364, G deleted on the plus strand (C on the coding strand, the reverse complement: PKD1 is on the minus strand); the first of 4 consecutive G bases (chr16:2,109,364-2,109,367); deleting any one gives the same sequence. VCF-style (leftmost placement, unchanged base first): chr16-2109363-CG-C. GRCh37 (hg19) VCF-style: chr16-2159364-CG-C.
Other names: c.5803del, p.Arg1935fs (NM_000296.4); c.5803del (NM_001009944.2); short protein forms R1935fs.
Identifiers: ClinVar variation 997337 (VCV000997337.4), dbSNP rs2092443264, ClinGen allele CA493048068.